The following is an entry in ClinVar:

NM_001324144.2(ZNF41):c.374T>G (p.Ile125Arg)

Gene: ZNF41 (zinc finger protein 41; minus strand). Cytogenetic location: Xp11.3.
Variant type: single nucleotide variant.
Coding change: c.374T>G on transcript NM_001324144.2 (MANE Select); coding-DNA position 374, T replaced by G.
Protein change: p.Ile125Arg; replaces isoleucine 125 with arginine.
Molecular consequence: missense variant. On other transcripts: intron variant (2).
Genome position (GRCh38, 1-based): chrX:47,449,396, A>C on the plus strand (T>G on the coding strand, the complement: ZNF41 is on the minus strand). VCF-style: chrX-47449396-A-C. GRCh37 (hg19) VCF-style: chrX-47308795-A-C.
Other names: c.116T>G, p.Ile39Arg (NM_001324139.2, NM_001324141.2, NM_001324143.2 and 3 more transcripts); c.374T>G, p.Ile125Arg (NM_001324140.2, NM_001324147.2, NM_001324150.2 and 2 more transcripts); c.380T>G, p.Ile127Arg (NM_001324142.2, NM_001324148.2); c.404T>G, p.Ile135Arg (NM_001324151.2, NM_001324153.2); c.476T>G, p.Ile159Arg (NM_001324154.1); c.500T>G, p.Ile167Arg (NM_001324155.1); c.296-30T>G (NM_001324157.1); c.302-30T>G (NM_001324156.1); short protein forms I125R, I127R, I135R, I167R, I159R, I39R.
Identifiers: ClinVar variation 130827 (VCV000130827.11), dbSNP rs17147624, ClinGen allele CA156133.
Genomic context (GRCh38, chrX:47,449,396, plus strand): 5'-TCTAGCTGGTCATTATCTTGCCACAGTTCTTCTAAAATAGAACATAATGAATCTTCTCCT[A>C]TGGGTTGATCAAATCTCTCACAGTGGAAGAAAATTCCTCCAGGAATTCCCTGTTGCTGCA-3'
Protein context (NP_001311073.1, residues 115-135): FFHCERFDQP[Ile125Arg]GEDSLCSILE

ClinVar aggregate classification (germline): Benign. Review status: criteria provided, multiple submitters, no conflicts (2 of 4 stars). 3 submissions from 3 submitters: Benign (2). 1 of the submissions does not count toward it. Last evaluated 2015-09-11.

Allele frequency attached by ClinVar (database versions not stated): gnomAD 0.03453; TOPMed 0.03960; ESP Exome Variant Server 0.04364; 1000 Genomes Project 30x 0.03226; 1000 Genomes Project 0.03364.
gnomAD v4.1: 36,324 of 1,208,757 alleles (3%); highest among the groups gnomAD compares: African/African-American, 6.9%; 456 homozygotes.

Submissions (3):

Ambry Genetics
Classification: Benign. Last evaluated: 2015-09-11. Review status: criteria provided, single submitter. Criteria: Ambry Variant Classification Scheme 2023. Collection method: clinical testing. Allele origin: germline.

Breakthrough Genomics
Classification: Benign. Review status: criteria provided, single submitter. Criteria: ACMG Guidelines, 2015. Collection method: not provided. Allele origin: germline. Inheritance: Unknown mechanism. Affected: yes.

Genetic Services Laboratory, University of Chicago
Classification: Likely benign for AllHighlyPenetrant. Review status: no assertion criteria provided. Collection method: clinical testing. Allele origin: germline. Inheritance: X-linked inheritance. Not counted in ClinVar's aggregate classification.
Comment: Likely benign based on allele frequency in 1000 Genomes Project or ESP global frequency and its presence in a patient with a rare or unrelated disease phenotype. NOT Sanger confirmed.